The following is an entry in ClinVar:

NM_001127644.2(GABRA1):c.999A>T (p.Thr333=)

Gene: GABRA1 (gamma-aminobutyric acid type A receptor subunit alpha1; plus strand). Cytogenetic location: 5q34.
Variant type: single nucleotide variant.
Coding change: c.999A>T on transcript NM_001127644.2 (MANE Select); coding-DNA position 999, A replaced by T.
Protein change: p.Thr333=; no amino-acid change (threonine 333 retained).
Molecular consequence: synonymous variant.
Genome position (GRCh38, 1-based): chr5:161,895,808, A>T. VCF-style: chr5-161895808-A-T. GRCh37 (hg19) VCF-style: chr5-161322814-A-T.
Other names: c.999A>T, p.Thr333= (NM_000806.5, NM_001127643.2, NM_001127645.2 and 1 more transcripts).
Identifiers: ClinVar variation 2932374 (VCV002932374.7), dbSNP rs748550764, ClinGen allele CA3544555.
Genomic context (GRCh38, chr5:161,895,808, plus strand): 5'-GGATTGGTTTATTGCCGTGTGCTATGCCTTTGTGTTCTCAGCTCTGATTGAGTTTGCCAC[A>T]GTAAACTATTTCACTAAGAGAGGTTATGCATGGGATGGCAAAAGTGTGGTTCCAGAAAAG-3'
Protein context (NP_001121116.1, residues 323-343): FVFSALIEFA[Thr333=]VNYFTKRGYA

ClinVar aggregate classification (germline): Likely benign. Review status: criteria provided, multiple submitters, no conflicts (2 of 4 stars). 2 submissions from 2 submitters: Likely benign (2). Last evaluated 2026-02-01.

Conditions:
Idiopathic generalized epilepsy. Also called: Generalised epilepsy; EIG. Identifiers: MedGen C0270850, MONDO:0005579, OMIM 600669.
Epilepsy, idiopathic generalized, susceptibility to, 13. Also called: EPILEPSY, JUVENILE MYOCLONIC, SUSCEPTIBILITY TO, 5. Identifiers: Orphanet 307, Orphanet 64280, MedGen C4013473, MONDO:0012627, OMIM 611136.
Epilepsy, childhood absence 4 (ECA4). Also called: EPILEPSY, CHILDHOOD ABSENCE, SUSCEPTIBILITY TO, 4. Identifiers: Orphanet 307, MedGen C1970160.

Allele frequency attached by ClinVar (database versions not stated): gnomAD 0.00001; ExAC 0.00002.

Submissions (2):

CeGaT Center for Human Genetics Tuebingen
Classification: Likely benign. Last evaluated: 2026-02-01. Review status: criteria provided, single submitter. Criteria: CeGaT Center For Human Genetics Tuebingen Variant Classification Criteria Version 2. Collection method: clinical testing. Allele origin: germline. Affected: yes. Observed: 1 variant allele.
Comment: GABRA1: BP4, BP7

Labcorp Genetics (formerly Invitae), Labcorp
Classification: Likely benign for Epilepsy, childhood absence 4; Epilepsy, idiopathic generalized, susceptibility to, 13; Idiopathic generalized epilepsy. Last evaluated: 2023-08-18. Review status: criteria provided, single submitter. Criteria: Invitae Variant Classification Sherloc (09022015). Collection method: clinical testing. Allele origin: germline.